The following is an entry in ClinVar:

NM_005618.4(DLL1):c.1621G>A (p.Gly541Arg)

Gene: DLL1 (delta like canonical Notch ligand 1; minus strand). Cytogenetic location: 6q27.
Variant type: single nucleotide variant.
Coding change: c.1621G>A on transcript NM_005618.4 (MANE Select); coding-DNA position 1621, G replaced by A.
Protein change: p.Gly541Arg; replaces glycine 541 with arginine.
Molecular consequence: missense variant.
Genome position (GRCh38, 1-based): chr6:170,283,658, C>T on the plus strand (G>A on the coding strand, the complement: DLL1 is on the minus strand). VCF-style: chr6-170283658-C-T. GRCh37 (hg19) VCF-style: chr6-170592746-C-T.
Other names: short protein forms G541R.
Identifiers: ClinVar variation 2064485 (VCV002064485.4), dbSNP rs776282548, ClinGen allele CA4106777.

ClinVar aggregate classification (germline): Uncertain significance (1 of 4 stars; one submission).

Allele frequency attached by ClinVar (database versions not stated): ExAC 0.00002; gnomAD 0.00004; gnomAD exomes 0.00004; TOPMed 0.00006.
gnomAD v4.1: 71 of 1,588,200 alleles (0.0045%); highest among the groups gnomAD compares: South Asian, 0.0079%; no homozygotes.

Submission:

Labcorp Genetics (formerly Invitae), Labcorp
Classification: Uncertain significance. Last evaluated: 2025-07-30. Review status: criteria provided, single submitter. Criteria: Invitae Variant Classification Sherloc (09022015). Collection method: clinical testing. Allele origin: germline.
Comment: This sequence change replaces glycine, which is neutral and non-polar, with arginine, which is basic and polar, at codon 541 of the DLL1 protein (p.Gly541Arg). This variant is present in population databases (rs776282548, gnomAD 0.007%). This missense change has been observed in individual(s) with autism spectrum disorder and/or developmental delay (PMID: 33057194, 35982159). ClinVar contains an entry for this variant (Variation ID: 2064485). An algorithm developed to predict the effect of missense changes on protein structure and function (PolyPhen-2) suggests that this variant is likely to be disruptive. In summary, the available evidence is currently insufficient to determine the role of this variant in disease. Therefore, it has been classified as a Variant of Uncertain Significance.

Literature cited by the submitters: PubMed 33057194; PubMed 35982159.